The following is an entry in ClinVar:

ClinVar aggregate classification (germline): Uncertain significance (1 of 4 stars; one submission).

gnomAD v4.1: 1 of 1,614,108 alleles (0.000062%); highest among the groups gnomAD compares: Non-Finnish European, 0.000085%; no homozygotes.

Submission:

GeneDx
Classification: Uncertain significance. Last evaluated: 2017-07-14. Review status: criteria provided, single submitter. Criteria: GeneDx Variant Classification (06012015). Collection method: clinical testing. Allele origin: germline. Affected: yes.
Comment: The M691V variant has not been published as a pathogenic variant, nor has it been reported as a benign variant to our knowledge. The M691V variant is not observed at a significant frequency in large population cohorts (Lek et al., 2016; 1000 Genomes Consortium et al., 2015; Exome Variant Server). This variant is a conservative amino acid substitution, which is not likely to impact secondary protein structure as these residues share similar properties. This substitution occurs at a position where amino acids with similar properties to Methionine are tolerated across species. In silico analysis is inconsistent in its predictions as to whether or not the variant is damaging to the protein structure/function.

NM_005476.7(GNE):c.1978A>G (p.Met660Val)

Gene: GNE (glucosamine (UDP-N-acetyl)-2-epimerase/N-acetylmannosamine kinase; minus strand). Cytogenetic location: 9p13.3.
Variant type: single nucleotide variant.
Coding change: c.1978A>G on transcript NM_005476.7 (MANE Select); coding-DNA position 1978, A replaced by G.
Protein change: p.Met660Val; replaces methionine 660 with valine.
Molecular consequence: missense variant.
Genome position (GRCh38, 1-based): chr9:36,217,556, T>C on the plus strand (A>G on the coding strand, the complement: GNE is on the minus strand). VCF-style: chr9-36217556-T-C. GRCh37 (hg19) VCF-style: chr9-36217553-T-C.
Other names: c.2071A>G, p.Met691Val (NM_001128227.3); c.1756A>G, p.Met586Val (NM_001190383.3); c.1648A>G, p.Met550Val (NM_001190384.3); c.1801A>G, p.Met601Val (NM_001190388.2, NM_001374798.1); c.1825A>G, p.Met609Val (NM_001374797.1); short protein forms M691V, M660V, M586V, M550V, M601V, M609V.
Identifiers: ClinVar variation 450441 (VCV000450441.2), dbSNP rs1554658048, ClinGen allele CA373424699.